The following is an entry in ClinVar:

ClinVar aggregate classification (germline): Uncertain significance (1 of 4 stars; one submission).

Submission:

GeneDx
Classification: Uncertain significance. Last evaluated: 2025-04-06. Review status: criteria provided, single submitter. Criteria: GeneDx Variant Classification Process June 2021. Collection method: clinical testing. Allele origin: germline. Affected: yes.
Comment: Has not been previously published as pathogenic or benign to our knowledge; In silico analysis supports that this missense variant has a deleterious effect on protein structure/function

NM_001373.1:c.370C>A

Gene: DNAH14 (dynein axonemal heavy chain 14; plus strand).
Variant type: single nucleotide variant.
Identifiers: ClinVar variation 4281844 (VCV004281844.1).